The following is an entry in ClinVar:

NM_000533.5(PLP1):c.453+4A>G

Genes: PLP1 (proteolipid protein 1; plus strand), RAB9B (RAB9B, member RAS oncogene family; minus strand). Cytogenetic location: Xq22.2.
Variant type: single nucleotide variant.
Coding change: c.453+4A>G on transcript NM_000533.5 (MANE Select); 4 bases into the intron after coding-DNA position 453, A replaced by G.
Molecular consequence: intron variant.
Genome position (GRCh38, 1-based): chrX:103,786,730, A>G. VCF-style: chrX-103786730-A-G. GRCh37 (hg19) VCF-style: chrX-103041659-A-G.
Other names: IVS3DS, A-G, +4; c.453+4A>G (NM_001128834.3); c.348+109A>G (NM_199478.3); c.288+4A>G (NM_001305004.1).
Identifiers: ClinVar variation 11096 (VCV000011096.3), dbSNP rs1569427707, ClinGen allele CA891843891.

ClinVar aggregate classification (germline): Likely pathogenic. Review status: criteria provided, single submitter (1 of 4 stars). 2 submissions from 2 submitters: Likely pathogenic (1). 1 of the submissions does not count toward it. Last evaluated 2021-12-09.

Conditions:
Pelizaeus-Merzbacher disease. Also called: Pelizeaus-Merzbacher spectrum disorder; LEUKODYSTROPHY, HYPOMYELINATING, 1; Sudanophilic leukodystrophy; Pelizaeus-Merzbacher spectrum disorder; Pelizaeus-Merzbacher Disease (PMD). Identifiers: Orphanet 702, MedGen C0205711, MONDO:0010714, OMIM 312080, HP:0003269.

Submissions (2):

Molecular Diagnostics Lab, Nemours Children's Health, Delaware
Classification: Likely pathogenic for Pelizaeus-Merzbacher disease. Last evaluated: 2021-12-09. Review status: criteria provided, single submitter. Criteria: ACMG Guidelines, 2015. Collection method: clinical testing. Allele origin: unknown. Inheritance: X-linked inheritance. Affected: yes. Observed: 1 hemizygote.
Comment: This intronic variant (c.453+4A>G) has not been observed in population databases (gnomAD). It has been described in the literature, and functional studies indicate a deleterious effect on expression of the PLP protein (PMID 16287154, PMID 11071483).

OMIM
Classification: Pathogenic for PELIZAEUS-MERZBACHER DISEASE. Last evaluated: 2000-10-24. Review status: no assertion criteria provided. Collection method: literature only. Allele origin: germline. Not counted in ClinVar's aggregate classification.

Literature cited by the submitters: PubMed 11071483 (cited by Molecular Diagnostics Lab, Nemours Children's Health, Delaware and OMIM); PubMed 16287154 (cited by Molecular Diagnostics Lab, Nemours Children's Health, Delaware).